The following is an entry in ClinVar:

NM_025114.4(CEP290):c.4175A>T (p.Glu1392Val)

Gene: CEP290 (centrosomal protein 290; minus strand). Cytogenetic location: 12q21.32.
Variant type: single nucleotide variant.
Coding change: c.4175A>T on transcript NM_025114.4 (MANE Select); coding-DNA position 4175, A replaced by T.
Protein change: p.Glu1392Val; replaces glutamic acid 1392 with valine.
Molecular consequence: missense variant.
Genome position (GRCh38, 1-based): chr12:88,087,799, T>A on the plus strand (A>T on the coding strand, the complement: CEP290 is on the minus strand). VCF-style: chr12-88087799-T-A. GRCh37 (hg19) VCF-style: chr12-88481576-T-A.
Other names: short protein forms E1392V.
Identifiers: ClinVar variation 1513926 (VCV001513926.8), dbSNP rs2137248175, ClinGen allele CA385998907.

ClinVar aggregate classification (germline): Uncertain significance (1 of 4 stars; one submission).

Conditions:
Nephronophthisis. Also called: Juvenile Nephronophthisis. Identifiers: Orphanet 655, MedGen C0687120, MONDO:0019005, HP:0000090.
Meckel-Gruber syndrome. Also called: DYSENCEPHALIA SPLANCHNOCYSTICA; GRUBER SYNDROME; Dysencephalia splachnocystica. Identifiers: Orphanet 564, MedGen C0265215, MONDO:0018921.
Joubert syndrome. Also called: CEREBELLOPARENCHYMAL DISORDER IV; JOUBERT-BOLTSHAUSER SYNDROME; Familial aplasia of the vermis. Identifiers: Orphanet 475, MedGen C5979921, MONDO:0018772.

Submission:

Labcorp Genetics (formerly Invitae), Labcorp
Classification: Uncertain significance for Joubert syndrome; Meckel-Gruber syndrome; Nephronophthisis. Last evaluated: 2021-09-18. Review status: criteria provided, single submitter. Criteria: Invitae Variant Classification Sherloc (09022015). Collection method: clinical testing. Allele origin: germline.
Comment: This sequence change replaces glutamic acid with valine at codon 1392 of the CEP290 protein (p.Glu1392Val). The glutamic acid residue is highly conserved and there is a moderate physicochemical difference between glutamic acid and valine. This variant is not present in population databases (ExAC no frequency). This variant has not been reported in the literature in individuals with CEP290-related conditions. Algorithms developed to predict the effect of missense changes on protein structure and function (SIFT, PolyPhen-2, Align-GVGD) all suggest that this variant is likely to be disruptive, but these predictions have not been confirmed by published functional studies and their clinical significance is uncertain. Algorithms developed to predict the effect of sequence changes on RNA splicing suggest that this variant may create or strengthen a splice site, but this prediction has not been confirmed by published transcriptional studies. In summary, the available evidence is currently insufficient to determine the role of this variant in disease. Therefore, it has been classified as a Variant of Uncertain Significance.